The following is an entry in ClinVar:

NM_020632.3(ATP6V0A4):c.649A>G (p.Ile217Val)

Gene: ATP6V0A4 (ATPase H+ transporting V0 subunit a4; minus strand). Cytogenetic location: 7q34.
Variant type: single nucleotide variant.
Coding change: c.649A>G on transcript NM_020632.3 (MANE Select); coding-DNA position 649, A replaced by G.
Protein change: p.Ile217Val; replaces isoleucine 217 with valine.
Molecular consequence: missense variant.
Genome position (GRCh38, 1-based): chr7:138,756,531, T>C on the plus strand (A>G on the coding strand, the complement: ATP6V0A4 is on the minus strand). VCF-style: chr7-138756531-T-C. GRCh37 (hg19) VCF-style: chr7-138441276-T-C.
Other names: c.649A>G (NM_020632.2); c.649A>G, p.Ile217Val (NM_130840.3, NM_130841.3); short protein forms I217V.
Identifiers: ClinVar variation 1020213 (VCV001020213.12), dbSNP rs1554398212, ClinGen allele CA4505043.

ClinVar aggregate classification (germline): Uncertain significance. Review status: criteria provided, multiple submitters, no conflicts (2 of 4 stars). 3 submissions from 3 submitters: Uncertain significance (3). Last evaluated 2025-01-23.

Conditions:
ATP6V0A4-related disorder. Also called: ATP6V0A4-related condition.
Inborn genetic diseases. Identifiers: MedGen C0950123, MeSH D030342.

Allele frequency attached by ClinVar (database versions not stated): gnomAD exomes below 0.00001 and 0.00001; gnomAD 0.00001; ExAC 0.00002.
gnomAD v4.1: 7 of 1,610,836 alleles (0.00043%); highest among the groups gnomAD compares: Non-Finnish European, 0.00059%; no homozygotes.

Submissions (3):

PreventionGenetics, part of Exact Sciences
Classification: Uncertain significance for ATP6V0A4-related condition. Last evaluated: 2025-01-23. Review status: criteria provided, single submitter. Criteria: ACMG Guidelines, 2015. Collection method: clinical testing. Allele origin: germline.
Comment: The ATP6V0A4 c.649A>G variant is predicted to result in the amino acid substitution p.Ile217Val. To our knowledge, this variant has not been reported in the literature. This variant is reported in 0.0018% of alleles in individuals of European (non-Finnish) descent in gnomAD. At this time, the clinical significance of this variant is uncertain due to the absence of conclusive functional and genetic evidence.

Labcorp Genetics (formerly Invitae), Labcorp
Classification: Uncertain significance. Last evaluated: 2023-06-30. Review status: criteria provided, single submitter. Criteria: Invitae Variant Classification Sherloc (09022015). Collection method: clinical testing. Allele origin: germline.
Comment: This sequence change replaces isoleucine, which is neutral and non-polar, with valine, which is neutral and non-polar, at codon 217 of the ATP6V0A4 protein (p.Ile217Val). This variant is present in population databases (no rsID available, gnomAD 0.003%). This variant has not been reported in the literature in individuals affected with ATP6V0A4-related conditions. ClinVar contains an entry for this variant (Variation ID: 1020213). Advanced modeling of protein sequence and biophysical properties (such as structural, functional, and spatial information, amino acid conservation, physicochemical variation, residue mobility, and thermodynamic stability) performed at Invitae indicates that this missense variant is not expected to disrupt ATP6V0A4 protein function. In summary, the available evidence is currently insufficient to determine the role of this variant in disease. Therefore, it has been classified as a Variant of Uncertain Significance.

Ambry Genetics
Classification: Uncertain significance for Inborn genetic diseases. Last evaluated: 2022-10-06. Review status: criteria provided, single submitter. Criteria: Ambry Variant Classification Scheme 2023. Collection method: clinical testing. Allele origin: germline.